The following is an entry in ClinVar:

ClinVar aggregate classification (germline): Likely pathogenic (1 of 4 stars; one submission).

Conditions:
3-Methylglutaconic aciduria type 2 (BTHS). Also called: Barth syndrome; CARDIOSKELETAL MYOPATHY WITH NEUTROPENIA AND ABNORMAL MITOCHONDRIA. Identifiers: Orphanet 111, MedGen C0574083, MONDO:0010543, OMIM 302060.

Submission:

Department of Human Genetics, Hannover Medical School
Classification: Likely pathogenic for 3-Methylglutaconic aciduria type 2. Last evaluated: 2025-02-14. Review status: criteria provided, single submitter. Criteria: ACMG Guidelines, 2015. Collection method: clinical testing. Allele origin: germline. Affected: yes.
Comment: ACMG: PVS1, PM2_Supporting

NM_000116.5(TAFAZZIN):c.350del (p.Lys117fs)

Gene: TAFAZZIN (tafazzin, phospholipid-lysophospholipid transacylase; plus strand). Cytogenetic location: Xq28.
Variant type: Deletion.
Coding change: c.350del on transcript NM_000116.5 (MANE Select); coding-DNA position 350, one base deleted (A; older notation c.350delA).
Protein change: p.Lys117fs; shifts the reading frame from lysine 117.
Molecular consequence: frameshift variant. On other transcripts: non-coding transcript variant (1).
Genome position (GRCh38, 1-based): chrX:154,413,547, A deleted; the last of 2 consecutive A bases (chrX:154,413,546-154,413,547); deleting either gives the same sequence. VCF-style (leftmost placement, unchanged base first): chrX-154413545-CA-C. GRCh37 (hg19) VCF-style: chrX-153641882-CA-C.
Other names: c.404del, p.Lys135fs (NM_001303465.2, NM_001410698.1); c.350del, p.Lys117fs (NM_181311.4, NM_181312.4, NM_181313.4); short protein forms K117fs, K135fs.
Identifiers: ClinVar variation 3629481 (VCV003629481.1).